The following is an entry in ClinVar:

ClinVar aggregate classification (germline): Pathogenic. Review status: reviewed by expert panel (3 of 4 stars). 2 submissions from 2 submitters: Pathogenic (1). 1 of the submissions does not count toward it. Last evaluated 2016-09-08.

Conditions:
Breast-ovarian cancer, familial, susceptibility to, 2 (BROVCA2). Also called: BRCA2 Hereditary Breast and Ovarian Cancer. Identifiers: Orphanet 145, MedGen C2675520, MONDO:0012933, OMIM 612555. Disease mechanism: loss of function.

Submissions (2):

Evidence-based Network for the Interpretation of Germline Mutant Alleles (ENIGMA)
Classification: Pathogenic for Breast-ovarian cancer, familial, susceptibility to, 2. Last evaluated: 2016-09-08. Review status: reviewed by expert panel. Criteria: ENIGMA BRCA1/2 Classification Criteria (2015). Collection method: curation. Allele origin: germline.
Comment: Variant allele predicted to encode a truncated non-functional protein.

Breast Cancer Information Core (BIC) (BRCA2)
Classification: Pathogenic for Breast-ovarian cancer, familial 2. Last evaluated: 2002-05-29. Review status: no assertion criteria provided. Collection method: clinical testing. Allele origin: germline. Affected: yes. Observed: 1 variant allele. Not counted in ClinVar's aggregate classification.

NM_000059.4(BRCA2):c.5526del (p.Ala1843fs)

Gene: BRCA2 (BRCA2 DNA repair associated; plus strand). Cytogenetic location: 13q13.1.
Variant type: Deletion.
Coding change: c.5526del on transcript NM_000059.4 (MANE Select); coding-DNA position 5526, one base deleted (T; older notation c.5526delT).
Protein change: p.Ala1843fs; shifts the reading frame from alanine 1843.
Molecular consequence: frameshift variant.
Genome position (GRCh38, 1-based): chr13:32,339,881, T deleted. VCF-style (leftmost placement, unchanged base first): chr13-32339880-CT-C. GRCh37 (hg19) VCF-style: chr13-32914017-CT-C.
Other names: 5754delT; c.5526delT (NM_000059.3); short protein forms A1843fs.
Identifiers: ClinVar variation 51877 (VCV000051877.2), dbSNP rs80359518, ClinGen allele CA022497.